The following is an entry in ClinVar:

NM_013322.3(SNX10):c.311+1G>T

Gene: SNX10 (sorting nexin 10; plus strand). Cytogenetic location: 7p15.2.
Variant type: single nucleotide variant.
Coding change: c.311+1G>T on transcript NM_013322.3 (MANE Select); the canonical splice donor site of the intron after coding-DNA position 311, G replaced by T.
Molecular consequence: splice donor variant.
Genome position (GRCh38, 1-based): chr7:26,365,146, G>T. VCF-style: chr7-26365146-G-T. GRCh37 (hg19) VCF-style: chr7-26404766-G-T.
Other names: c.389+1G>T (NM_001362754.1, NM_001362753.1, NM_001318198.1); c.311+1G>T (NM_001199835.1, NM_001318199.3); c.302+1G>T (NM_001199837.3); c.59+1G>T (NM_001199838.2).
Identifiers: ClinVar variation 4747554 (VCV004747554.1).

ClinVar aggregate classification (germline): Likely pathogenic (1 of 4 stars; one submission).

gnomAD v4.1: 1 of 1,592,292 alleles (0.000063%); highest among the groups gnomAD compares: South Asian, 0.0011%; no homozygotes.

Submission:

Labcorp Genetics (formerly Invitae), Labcorp
Classification: Likely pathogenic. Last evaluated: 2025-08-13. Review status: criteria provided, single submitter. Criteria: Invitae Variant Classification Sherloc (09022015). Collection method: clinical testing. Allele origin: germline.
Comment: This sequence change affects a donor splice site in intron 5 of the SNX10 gene. It is expected to disrupt RNA splicing. Variants that disrupt the donor or acceptor splice site typically lead to a loss of protein function (PMID: 16199547), and loss-of-function variants in SNX10 are known to be pathogenic (PMID: 23123320, 23280965, 25811986). This variant is present in population databases (no rsID available, gnomAD 0.0009%). Disruption of this splice site has been observed in individual(s) with clinical features of SNX10-related conditions (PMID: 23280965). Algorithms developed to predict the effect of sequence changes on RNA splicing suggest that this variant may disrupt the consensus splice site. In summary, the currently available evidence indicates that the variant is pathogenic, but additional data are needed to prove that conclusively. Therefore, this variant has been classified as Likely Pathogenic.

Literature cited by the submitters: PubMed 16199547; PubMed 23123320; PubMed 23280965; PubMed 25811986.